The following is an entry in ClinVar:

NM_002180.3(IGHMBP2):c.832C>G (p.His278Asp)

Gene: IGHMBP2 (immunoglobulin mu DNA binding protein 2; plus strand). Cytogenetic location: 11q13.3.
Variant type: single nucleotide variant.
Coding change: c.832C>G on transcript NM_002180.3 (MANE Select); coding-DNA position 832, C replaced by G.
Protein change: p.His278Asp; replaces histidine 278 with aspartic acid.
Molecular consequence: missense variant.
Genome position (GRCh38, 1-based): chr11:68,914,943, C>G. VCF-style: chr11-68914943-C-G. GRCh37 (hg19) VCF-style: chr11-68682411-C-G.
Other names: p.His278Asp; short protein forms H278D.
Identifiers: ClinVar variation 198146 (VCV000198146.29), dbSNP rs144681826, ClinGen allele CA246650.

ClinVar aggregate classification (germline): Conflicting classifications of pathogenicity. Review status: criteria provided, conflicting classifications (1 of 4 stars). 7 submissions from 7 submitters: Uncertain significance (5); Likely benign (2). Last evaluated 2026-01-27.

Conditions:
IGHMBP2-related disorder. Also called: IGHMBP2-related disorders; IGHMBP2-related condition.
Inborn genetic diseases. Identifiers: MedGen C0950123, MeSH D030342.
Autosomal recessive distal spinal muscular atrophy 1. Also called: HMN VI; NEURONOPATHY, SEVERE INFANTILE AXONAL, WITH RESPIRATORY FAILURE; Spinal muscular atrophy with respiratory distress 1; SEVERE INFANTILE AXONAL NEUROPATHY WITH RESPIRATORY FAILURE; NEURONOPATHY, DISTAL HEREDITARY MOTOR, HARDING TYPE VI; NEUROPATHY, DISTAL HEREDITARY MOTOR, AUTOSOMAL RECESSIVE 1. Identifiers: Orphanet 98920, MedGen C1858517, MONDO:0011436, OMIM 604320.
Charcot-Marie-Tooth disease axonal type 2S. Also called: CHARCOT-MARIE-TOOTH NEUROPATHY, TYPE 2S; CHARCOT-MARIE-TOOTH DISEASE, AXONAL, AUTOSOMAL RECESSIVE, TYPE 2S. Identifiers: Orphanet 443073, MedGen C4015349, MONDO:0014511, OMIM 616155.

Allele frequency attached by ClinVar (database versions not stated): gnomAD exomes 0.00005 and 0.00010; ExAC 0.00011; ESP Exome Variant Server 0.00038; TOPMed 0.00039; gnomAD 0.00040 and 0.00044.
gnomAD v4.1: 157 of 1,614,100 alleles (0.0097%); highest among the groups gnomAD compares: African/African-American, 0.16%; 1 homozygote.

Submissions (7):

Labcorp Genetics (formerly Invitae), Labcorp
Classification: Likely benign for Autosomal recessive distal spinal muscular atrophy 1; Charcot-Marie-Tooth disease axonal type 2S. Last evaluated: 2026-01-27. Review status: criteria provided, single submitter. Criteria: Invitae Variant Classification Sherloc (09022015). Collection method: clinical testing. Allele origin: germline.

PreventionGenetics, part of Exact Sciences
Classification: Likely benign for IGHMBP2-related condition. Last evaluated: 2025-11-25. Review status: criteria provided, single submitter. Criteria: ACMG Guidelines, 2015. Collection method: clinical testing. Allele origin: germline.
Comment: This variant is classified as likely benign based on ACMG/AMP sequence variant interpretation guidelines (Richards et al. 2015 PMID: 25741868, with internal and published modifications).

GeneDx
Classification: Uncertain significance. Last evaluated: 2024-06-29. Review status: criteria provided, single submitter. Criteria: GeneDx Variant Classification Process June 2021. Collection method: clinical testing. Allele origin: germline. Affected: yes.
Comment: In silico analysis, which includes protein predictors and evolutionary conservation, supports a deleterious effect; Has not been previously published as pathogenic or benign to our knowledge; This variant is associated with the following publications: (PMID: 24388491, 25439726, 22965130)

Ambry Genetics
Classification: Uncertain significance for Inborn genetic diseases. Last evaluated: 2023-01-03. Review status: criteria provided, single submitter. Criteria: Ambry Variant Classification Scheme 2023. Collection method: clinical testing. Allele origin: germline.

Mayo Clinic Laboratories, Mayo Clinic
Classification: Uncertain significance. Last evaluated: 2022-04-22. Review status: criteria provided, single submitter. Criteria: ACMG Guidelines, 2015. Collection method: clinical testing. Allele origin: germline. Observed: 2 variant alleles.

Revvity Omics, Revvity
Classification: Uncertain significance. Last evaluated: 2020-01-31. Review status: criteria provided, single submitter. Criteria: ACMG Guidelines, 2015. Collection method: clinical testing. Allele origin: germline.

Eurofins Ntd Llc (ga)
Classification: Uncertain significance. Last evaluated: 2014-11-26. Review status: criteria provided, single submitter. Criteria: EGL Classification Definitions 2015. Collection method: clinical testing. Allele origin: germline. Observed: 1 variant allele, 1 heterozygote.